The following is an entry in ClinVar:

NM_001394062.1(MACF1):c.16320A>T (p.Gln5440His)

Gene: MACF1 (microtubule actin crosslinking factor 1; plus strand). Cytogenetic location: 1p34.3.
Variant type: single nucleotide variant.
Coding change: c.16320A>T on transcript NM_001394062.1 (MANE Select); coding-DNA position 16320, A replaced by T.
Protein change: p.Gln5440His; replaces glutamine 5440 with histidine.
Molecular consequence: missense variant.
Genome position (GRCh38, 1-based): chr1:39,427,458, A>T. VCF-style: chr1-39427458-A-T. GRCh37 (hg19) VCF-style: chr1-39893130-A-T.
Other names: c.4716A>T, p.Gln1572His (NM_001397473.1); c.10134A>T, p.Gln3378His (NM_012090.5); short protein forms Q1572H, Q3378H, Q5440H.
Identifiers: ClinVar variation 4074657 (VCV004074657.1).

ClinVar aggregate classification (germline): Uncertain significance (1 of 4 stars; one submission).

Submission:

GeneDx
Classification: Uncertain significance. Last evaluated: 2025-02-06. Review status: criteria provided, single submitter. Criteria: GeneDx Variant Classification Process June 2021. Collection method: clinical testing. Allele origin: germline. Affected: yes.
Comment: Not observed at significant frequency in large population cohorts (gnomAD); In silico analysis supports that this missense variant has a deleterious effect on protein structure/function; Has not been previously published as pathogenic or benign to our knowledge